The following is an entry in ClinVar:

NM_006642.5(SDCCAG8):c.71A>G (p.His24Arg)

Gene: SDCCAG8 (SHH signaling and ciliogenesis regulator SDCCAG8; plus strand). Cytogenetic location: 1q43.
Variant type: single nucleotide variant.
Coding change: c.71A>G on transcript NM_006642.5 (MANE Select); coding-DNA position 71, A replaced by G.
Protein change: p.His24Arg; replaces histidine 24 with arginine.
Molecular consequence: missense variant. On other transcripts: 5 prime UTR variant (4).
Genome position (GRCh38, 1-based): chr1:243,270,108, A>G. VCF-style: chr1-243270108-A-G. GRCh37 (hg19) VCF-style: chr1-243433410-A-G.
Other names: c.-1042A>G (NM_001350246.2); c.-930A>G (NM_001350247.2); c.71A>G, p.His24Arg (NM_001350248.2); c.-224A>G (NM_001350249.2); c.-1303A>G (NM_001350251.2); short protein forms H24R.
Identifiers: ClinVar variation 2026548 (VCV002026548.1), dbSNP rs2547827986, ClinGen allele CA345473641.

ClinVar aggregate classification (germline): Uncertain significance (1 of 4 stars; one submission).

Conditions:
Senior-Loken syndrome 7 (SLSN7). Identifiers: Orphanet 3156, MedGen C3150877, MONDO:0013326, OMIM 613615.
Bardet-Biedl syndrome 16 (BBS16). Identifiers: Orphanet 110, MedGen C3889474, MONDO:0014444, OMIM 615993.

Submission:

Labcorp Genetics (formerly Invitae), Labcorp
Classification: Uncertain significance for Bardet-Biedl syndrome 16; Senior-Loken syndrome 7. Last evaluated: 2021-12-02. Review status: criteria provided, single submitter. Criteria: Invitae Variant Classification Sherloc (09022015). Collection method: clinical testing. Allele origin: germline.
Comment: This sequence change replaces histidine, which is basic and polar, with arginine, which is basic and polar, at codon 24 of the SDCCAG8 protein (p.His24Arg). This variant is not present in population databases (gnomAD no frequency). This variant has not been reported in the literature in individuals affected with SDCCAG8-related conditions. Algorithms developed to predict the effect of missense changes on protein structure and function output the following: SIFT: "Tolerated"; PolyPhen-2: "Benign"; Align-GVGD: "Class C0". The arginine amino acid residue is found in multiple mammalian species, which suggests that this missense change does not adversely affect protein function. In summary, the available evidence is currently insufficient to determine the role of this variant in disease. Therefore, it has been classified as a Variant of Uncertain Significance.